The following is an entry in ClinVar:

ClinVar aggregate classification (germline): Uncertain significance (1 of 4 stars; one submission).

Submission:

GeneDx
Classification: Uncertain significance. Last evaluated: 2018-03-15. Review status: criteria provided, single submitter. Criteria: GeneDx Variant Classification (06012015). Collection method: clinical testing. Allele origin: germline. Affected: yes.
Comment: A variant of uncertain significance has been identified in the HDAC4 gene. The c.3120_3151del32 variant has not been published as a pathogenic variant, nor has it been reported as a benign variant to our knowledge. The c.3120_3151del32 variant is not observed in large population cohorts (Lek et al., 2016). The c.3120_3151del32 variant causes a frameshift starting with codon Serine 1041, changes this amino acid to a Arginine residue and creates a premature Stop codon at position 24 of the new reading frame, denoted p.Ser1041ArgfsX24. This variant is predicted to cause loss of normal protein function through protein truncation, as the last 44 amino acids are replaced by 23 incorrect amino acids. Based on the currently available information, it is unclear whether this variant is a pathogenic variant or a rare benign variant.

NM_001378414.1(HDAC4):c.3135_3166del (p.Ser1046fs)

Gene: HDAC4 (histone deacetylase 4; minus strand). Cytogenetic location: 2q37.3.
Variant type: Deletion.
Coding change: c.3135_3166del on transcript NM_001378414.1 (MANE Select); coding-DNA positions 3135 to 3166, 32 bases deleted.
Protein change: p.Ser1046fs; shifts the reading frame from serine 1046.
Molecular consequence: frameshift variant.
Genome position (GRCh38, 1-based): chr2:239,053,524-239,053,555, 32 bases deleted; deleting any 32 consecutive bases within chr2:239,053,524-239,053,557 gives the same sequence; the c. name uses the placement nearest the transcript's 3' end. GRCh37 (hg19): chr2:239,975,222-239,975,253.
Other names: c.3120_3151del32 (NM_006037.3); c.3135_3166del, p.Ser1046fs (NM_001378415.1); c.3120_3151del, p.Ser1041fs (NM_001378416.1, NM_001378417.1, NM_006037.4); short protein forms S1041fs, S1046fs.
Identifiers: ClinVar variation 524026 (VCV000524026.2), dbSNP rs1553599432, ClinGen allele CA658796214.